The following is an entry in ClinVar:

NM_001349.4(DARS1):c.466C>T (p.Leu156=)

Gene: DARS1 (aspartyl-tRNA synthetase 1; minus strand). Cytogenetic location: 2q21.3.
Variant type: single nucleotide variant.
Coding change: c.466C>T on transcript NM_001349.4 (MANE Select); coding-DNA position 466, C replaced by T.
Protein change: p.Leu156=; no amino-acid change (leucine 156 retained).
Molecular consequence: synonymous variant.
Genome position (GRCh38, 1-based): chr2:135,933,948, G>A on the plus strand (C>T on the coding strand, the complement: DARS1 is on the minus strand). VCF-style: chr2-135933948-G-A. GRCh37 (hg19) VCF-style: chr2-136691518-G-A.
Other names: c.166C>T, p.Leu56= (NM_001293312.1).
Identifiers: ClinVar variation 1682560 (VCV001682560.32), dbSNP rs571189613, ClinGen allele CA1889811.

ClinVar aggregate classification (germline): Likely benign. Review status: criteria provided, multiple submitters, no conflicts (2 of 4 stars). 2 submissions from 2 submitters: Likely benign (2). Last evaluated 2025-09-06.

Allele frequency attached by ClinVar (database versions not stated): ExAC 0.00001; gnomAD 0.00001 and 0.00003; gnomAD exomes 0.00001 and 0.00002; TOPMed 0.00004; 1000 Genomes Project 30x 0.00016; 1000 Genomes Project 0.00020.

Submissions (2):

Labcorp Genetics (formerly Invitae), Labcorp
Classification: Likely benign. Last evaluated: 2025-09-06. Review status: criteria provided, single submitter. Criteria: Invitae Variant Classification Sherloc (09022015). Collection method: clinical testing. Allele origin: germline.

CeGaT Center for Human Genetics Tuebingen
Classification: Likely benign. Last evaluated: 2023-03-01. Review status: criteria provided, single submitter. Criteria: CeGaT Center For Human Genetics Tuebingen Variant Classification Criteria Version 2. Collection method: clinical testing. Allele origin: germline. Affected: yes. Observed: 1 variant allele.
Comment: DARS1: BP4, BP7